The following is an entry in ClinVar:

NM_001035.3(RYR2):c.8200A>G (p.Met2734Val)

Gene: RYR2 (ryanodine receptor 2; plus strand). Cytogenetic location: 1q43.
Variant type: single nucleotide variant.
Coding change: c.8200A>G on transcript NM_001035.3 (MANE Select); coding-DNA position 8200, A replaced by G.
Protein change: p.Met2734Val; replaces methionine 2734 with valine.
Molecular consequence: missense variant.
Genome position (GRCh38, 1-based): chr1:237,658,014, A>G. VCF-style: chr1-237658014-A-G. GRCh37 (hg19) VCF-style: chr1-237821314-A-G.
Other names: short protein forms M2734V.
Identifiers: ClinVar variation 923604 (VCV000923604.5), dbSNP rs1683418170, ClinGen allele CA345401270.

ClinVar aggregate classification (germline): Uncertain significance (1 of 4 stars; one submission).

Conditions:
Cardiomyopathy (CMYO). Also called: Cardiomyopathies. Identifiers: Orphanet 167848, MedGen C0878544, MONDO:0004994, HP:0001638. Inheritance: Various modes of inheritance.

Submission:

Color Diagnostics, LLC DBA Color Health
Classification: Uncertain significance for Cardiomyopathy. Last evaluated: 2024-03-06. Review status: criteria provided, single submitter. Criteria: ACMG Guidelines, 2015. Collection method: clinical testing. Allele origin: germline.
Comment: This variant is located in the RYR2 protein. Computational prediction suggests that this variant may not impact protein structure and function (internally defined REVEL score threshold <= 0.5, PMID: 27666373). To our knowledge, functional studies have not been reported for this variant. This variant has not been reported in individuals affected with RYR2-related disorders in the literature. This variant has not been identified in the general population by the Genome Aggregation Database (gnomAD). The available evidence is insufficient to determine the role of this variant in disease conclusively. Therefore, this variant is classified as a Variant of Uncertain Significance.